The following is an entry in ClinVar:

ClinVar aggregate classification (germline): Likely benign. Review status: criteria provided, multiple submitters, no conflicts (2 of 4 stars). 4 submissions from 4 submitters: Likely benign (2). 2 of the submissions do not count toward it. Last evaluated 2026-01-12.

Conditions:
FANCA-related disorder. Also called: FANCA-related condition.
Inborn genetic diseases. Identifiers: MedGen C0950123, MeSH D030342.
Fanconi anemia (FA). Also called: Fanconi's anemia. Identifiers: Orphanet 84, MedGen C0015625, MeSH D005199, MONDO:0019391.

Allele frequency attached by ClinVar (database versions not stated): TOPMed 0.00005; ESP Exome Variant Server 0.00008; gnomAD exomes 0.00002 and 0.00003; gnomAD 0.00003 and 0.00004; ExAC 0.00004.
gnomAD v4.1: 42 of 1,613,994 alleles (0.0026%); highest among the groups gnomAD compares: Middle Eastern, 0.017%; no homozygotes.

Submissions (4):

Labcorp Genetics (formerly Invitae), Labcorp
Classification: Likely benign for Fanconi anemia. Last evaluated: 2026-01-12. Review status: criteria provided, single submitter. Criteria: Invitae Variant Classification Sherloc (09022015). Collection method: clinical testing. Allele origin: germline.

Ambry Genetics
Classification: Likely benign for Inborn genetic diseases. Last evaluated: 2024-11-18. Review status: criteria provided, single submitter. Criteria: Ambry Variant Classification Scheme 2023. Collection method: clinical testing. Allele origin: germline.

PreventionGenetics, part of Exact Sciences
Classification: Likely benign for FANCA-related condition. Last evaluated: 2022-10-26. Review status: no assertion criteria provided. Collection method: clinical testing. Allele origin: germline. Not counted in ClinVar's aggregate classification.
Comment: This variant is classified as likely benign based on ACMG/AMP sequence variant interpretation guidelines (Richards et al. 2015 PMID: 25741868, with internal and published modifications).

Natera, Inc.
Classification: Likely benign for Fanconi anemia. Last evaluated: 2021-08-18. Review status: no assertion criteria provided. Collection method: clinical testing. Allele origin: germline. Not counted in ClinVar's aggregate classification.

NM_000135.4(FANCA):c.2088C>T (p.Ser696=)

Gene: FANCA (FA complementation group A; minus strand). Cytogenetic location: 16q24.3.
Variant type: single nucleotide variant.
Coding change: c.2088C>T on transcript NM_000135.4 (MANE Select); coding-DNA position 2088, C replaced by T.
Protein change: p.Ser696=; no amino-acid change (serine 696 retained).
Molecular consequence: synonymous variant.
Genome position (GRCh38, 1-based): chr16:89,771,741, G>A on the plus strand (C>T on the coding strand, the complement: FANCA is on the minus strand). VCF-style: chr16-89771741-G-A. GRCh37 (hg19) VCF-style: chr16-89838149-G-A.
Other names: c.2088C>T (NM_000135.2); c.2088C>T, p.Ser696= (NM_001286167.3).
Identifiers: ClinVar variation 1116093 (VCV001116093.15), dbSNP rs150917432, ClinGen allele CA8251917.